The following is an entry in ClinVar:

ClinVar aggregate classification (germline): Uncertain significance (1 of 4 stars; one submission).

Allele frequency attached by ClinVar (database versions not stated): ExAC 0.00010; ESP Exome Variant Server 0.00016; TOPMed 0.00039; 1000 Genomes Project 0.00040; gnomAD 0.00040; 1000 Genomes Project 30x 0.00062.

Submission:

Labcorp Genetics (formerly Invitae), Labcorp
Classification: Uncertain significance. Last evaluated: 2022-07-12. Review status: criteria provided, single submitter. Criteria: Invitae Variant Classification Sherloc (09022015). Collection method: clinical testing. Allele origin: germline.
Comment: This sequence change replaces arginine, which is basic and polar, with histidine, which is basic and polar, at codon 710 of the CCDC88C protein (p.Arg710His). This variant is present in population databases (rs145379761, gnomAD 0.1%). This variant has not been reported in the literature in individuals affected with CCDC88C-related conditions. Algorithms developed to predict the effect of missense changes on protein structure and function are either unavailable or do not agree on the potential impact of this missense change (SIFT: "Deleterious"; PolyPhen-2: "Probably Damaging"; Align-GVGD: "Class C0"). In summary, the available evidence is currently insufficient to determine the role of this variant in disease. Therefore, it has been classified as a Variant of Uncertain Significance.

NM_001080414.4(CCDC88C):c.2129G>A (p.Arg710His)

Gene: CCDC88C (coiled-coil domain containing 88C; minus strand). Cytogenetic location: 14q32.11.
Variant type: single nucleotide variant.
Coding change: c.2129G>A on transcript NM_001080414.4 (MANE Select); coding-DNA position 2129, G replaced by A.
Protein change: p.Arg710His; replaces arginine 710 with histidine.
Molecular consequence: missense variant.
Genome position (GRCh38, 1-based): chr14:91,313,687, C>T on the plus strand (G>A on the coding strand, the complement: CCDC88C is on the minus strand). VCF-style: chr14-91313687-C-T. GRCh37 (hg19) VCF-style: chr14-91780031-C-T.
Other names: short protein forms R710H.
Identifiers: ClinVar variation 2075942 (VCV002075942.1), dbSNP rs145379761, ClinGen allele CA7309739.